The following is an entry in ClinVar:

NM_004415.4(DSP):c.2861G>T (p.Cys954Phe)

Gene: DSP (desmoplakin; plus strand). Cytogenetic location: 6p24.3.
Variant type: single nucleotide variant.
Coding change: c.2861G>T on transcript NM_004415.4 (MANE Select); coding-DNA position 2861, G replaced by T.
Protein change: p.Cys954Phe; replaces cysteine 954 with phenylalanine.
Molecular consequence: missense variant.
Genome position (GRCh38, 1-based): chr6:7,577,026, G>T. VCF-style: chr6-7577026-G-T. GRCh37 (hg19) VCF-style: chr6-7577259-G-T.
Other names: c.2861G>T, p.Cys954Phe (NM_001008844.3, NM_001319034.2); short protein forms C954F.
Identifiers: ClinVar variation 3071462 (VCV003071462.2), dbSNP rs779878192, ClinGen allele CA362682302.

ClinVar aggregate classification (germline): Uncertain significance (1 of 4 stars; one submission).

Conditions:
Arrhythmogenic cardiomyopathy with wooly hair and keratoderma. Also called: PALMOPLANTAR KERATODERMA WITH LEFT VENTRICULAR CARDIOMYOPATHY AND WOOLLY HAIR; Carvajal syndrome; Dilated cardiomyopathy with woolly hair and keratoderma; Arrhythmogenic cardiomyopathy with woolly hair and keratoderma. Identifiers: Orphanet 65282, MedGen C1854063, MONDO:0011581, OMIM 605676.

Allele frequency attached by ClinVar (database versions not stated): TOPMed 0.00001.

Submission:

All of Us Research Program, National Institutes of Health
Classification: Uncertain significance for Arrhythmogenic cardiomyopathy with wooly hair and keratoderma. Last evaluated: 2024-08-06. Review status: criteria provided, single submitter. Criteria: ACMG Guidelines, 2015. Collection method: clinical testing. Allele origin: germline. Inheritance: Autosomal dominant inheritance. Observed: 3 variant alleles, 3 heterozygotes.
Comment: This missense variant replaces cysteine with phenylalanine at codon 954 of the DSP protein. Computational prediction suggests that this variant may not impact protein structure and function (internally defined REVEL score threshold <= 0.5, PMID: 27666373). To our knowledge, functional studies have not been reported for this variant. This variant has not been reported in individuals affected with DSP-related disorders in the literature. This variant has not been identified in the general population by the Genome Aggregation Database (gnomAD). The available evidence is insufficient to determine the role of this variant in disease conclusively. Therefore, this variant is classified as a Variant of Uncertain Significance.

This study involves interpretation of variants in research participants for the purpose of population health screening. Participant phenotype was not available at the time of variant classification. Additional details can be found in publication PMID: 35346344, PMCID: PMC8962531